The following is an entry in ClinVar:

NM_001089.3(ABCA3):c.2140C>T (p.Arg714Cys)

Gene: ABCA3 (ATP binding cassette subfamily A member 3; minus strand). Cytogenetic location: 16p13.3.
Variant type: single nucleotide variant.
Coding change: c.2140C>T on transcript NM_001089.3 (MANE Select); coding-DNA position 2140, C replaced by T.
Protein change: p.Arg714Cys; replaces arginine 714 with cysteine.
Molecular consequence: missense variant.
Genome position (GRCh38, 1-based): chr16:2,297,452, G>A on the plus strand (C>T on the coding strand, the complement: ABCA3 is on the minus strand). VCF-style: chr16-2297452-G-A. GRCh37 (hg19) VCF-style: chr16-2347453-G-A.
Other names: short protein forms R714C.
Identifiers: ClinVar variation 517340 (VCV000517340.6), dbSNP rs867072001, ClinGen allele CA276829504.

ClinVar aggregate classification (germline): Uncertain significance. Review status: criteria provided, multiple submitters, no conflicts (2 of 4 stars). 2 submissions from 2 submitters: Uncertain significance (2). Last evaluated 2021-08-16.

Conditions:
Hereditary pulmonary alveolar proteinosis. Also called: Pulmonary surfactant metabolism dysfunction. Identifiers: Orphanet 264675, MedGen C3711368, MONDO:0012580.

Allele frequency attached by ClinVar (database versions not stated): gnomAD exomes 0.00002; TOPMed 0.00002; gnomAD 0.00003.
gnomAD v4.1: 22 of 1,613,658 alleles (0.0014%); highest among the groups gnomAD compares: Middle Eastern, 0.017%; no homozygotes.

Submissions (2):

Ambry Genetics
Classification: Uncertain significance for Hereditary pulmonary alveolar proteinosis. Last evaluated: 2021-08-16. Review status: criteria provided, single submitter. Criteria: Ambry Variant Classification Scheme 2023. Collection method: clinical testing. Allele origin: germline.
Comment: The p.R714C variant (also known as c.2140C>T), located in coding exon 14 of the ABCA3 gene, results from a C to T substitution at nucleotide position 2140. The arginine at codon 714 is replaced by cysteine, an amino acid with highly dissimilar properties. This amino acid position is conserved. In addition, this alteration is predicted to be deleterious by in silico analysis. Since supporting evidence is limited at this time, the clinical significance of this alteration remains unclear.

Laboratory for Molecular Medicine, Mass General Brigham Personalized Medicine
Classification: Uncertain significance. Last evaluated: 2017-04-10. Review status: criteria provided, single submitter. Criteria: LMM Criteria. Collection method: clinical testing. Allele origin: germline. Observed: 1 variant allele.
Comment: The p.Arg714Cys variant in ABCA3 has not been previously reported in individuals with pulmonary disease, but has been identified in 3/111682 European chromosome s by the genome Aggregation Database (gnomAD; dbSNP rs867072001). Computational prediction tools and conservation analysis do not provide strong support for or against an impact to the protein. In summary, the clinical significance of the p.Arg714Cys variant is uncertain.